The following is an entry in ClinVar:

NM_014365.3(HSPB8):c.257G>A (p.Arg86Lys)

Gene: HSPB8 (heat shock protein family B (small) member 8; plus strand). Cytogenetic location: 12q24.23.
Variant type: single nucleotide variant.
Coding change: c.257G>A on transcript NM_014365.3 (MANE Select); coding-DNA position 257, G replaced by A.
Protein change: p.Arg86Lys; replaces arginine 86 with lysine.
Molecular consequence: missense variant.
Genome position (GRCh38, 1-based): chr12:119,179,569, G>A. VCF-style: chr12-119179569-G-A. GRCh37 (hg19) VCF-style: chr12-119617374-G-A.
Other names: short protein forms R86K.
Identifiers: ClinVar variation 4882795 (VCV004882795.2).
Genomic context (GRCh38, chr12:119,179,569, plus strand): 5'-CGGGCATGGTGCCCCGGGGCCCCACTGCCACCGCCAGGTTTGGGGTGCCTGCCGAGGGCA[G>A]GACCCCCCCACCCTTCCCTGGGGAGCCCTGGAAAGTGTGTGTGAATGTGCACAGCTTCAA-3'
Protein context (NP_055180.1, residues 76-96): TARFGVPAEG[Arg86Lys]TPPPFPGEPW

ClinVar aggregate classification (germline): Uncertain significance (1 of 4 stars; one submission).

Submission:

Dasa
Classification: Uncertain significance. Last evaluated: 2025-11-25. Review status: criteria provided, single submitter. Criteria: DASA Assertion Criteria. Collection method: clinical testing. Allele origin: germline.
Comment: NM_014365.3(HSPB8):c.257G>A (p.Arg86Lys) is a missense variant that results in the substitution of arginine with lysine. This variant is absent from population databases. The currently available literature and clinical evidence are not sufficient to establish a definitive association between this variant and the reported condition. Therefore, this variant is classified as a variant of uncertain significance.